The following is an entry in ClinVar:

ClinVar aggregate classification (germline): Uncertain significance (1 of 4 stars; one submission).

Allele frequency attached by ClinVar (database versions not stated): gnomAD exomes below 0.00001; TOPMed below 0.00001; gnomAD 0.00001.

Submission:

Labcorp Genetics (formerly Invitae), Labcorp
Classification: Uncertain significance. Last evaluated: 2024-11-05. Review status: criteria provided, single submitter. Criteria: Invitae Variant Classification Sherloc (09022015). Collection method: clinical testing. Allele origin: germline.
Comment: This sequence change replaces asparagine, which is neutral and polar, with serine, which is neutral and polar, at codon 656 of the HK1 protein (p.Asn656Ser). This variant is present in population databases (no rsID available, gnomAD 0.006%). This missense change has been observed in individual(s) with retinitis pigmentosa (PMID: 33608557). ClinVar contains an entry for this variant (Variation ID: 1345480). Invitae Evidence Modeling of protein sequence and biophysical properties (such as structural, functional, and spatial information, amino acid conservation, physicochemical variation, residue mobility, and thermodynamic stability) has been performed for this missense variant. However, the output from this modeling did not meet the statistical confidence thresholds required to predict the impact of this variant on HK1 protein function. In summary, the available evidence is currently insufficient to determine the role of this variant in disease. Therefore, it has been classified as a Variant of Uncertain Significance.

Literature cited by the submitters: PubMed 33608557.

NM_000188.3(HK1):c.1967A>G (p.Asn656Ser)

Gene: HK1 (hexokinase 1; plus strand). Cytogenetic location: 10q22.1.
Variant type: single nucleotide variant.
Coding change: c.1967A>G on transcript NM_000188.3 (MANE Select); coding-DNA position 1967, A replaced by G.
Protein change: p.Asn656Ser; replaces asparagine 656 with serine.
Molecular consequence: missense variant.
Genome position (GRCh38, 1-based): chr10:69,389,228, A>G. VCF-style: chr10-69389228-A-G. GRCh37 (hg19) VCF-style: chr10-71148984-A-G.
Other names: c.1979A>G, p.Asn660Ser (NM_001322364.2, NM_001358263.1, NM_033497.3 and 1 more transcripts); c.2072A>G, p.Asn691Ser (NM_001322365.2); c.1883A>G, p.Asn628Ser (NM_001322366.1); c.1871A>G, p.Asn624Ser (NM_001322367.1); c.1964A>G, p.Asn655Ser (NM_033496.3); c.1931A>G, p.Asn644Ser (NM_033500.2); short protein forms N624S, N644S, N628S, N655S, N656S, N660S, N691S.
Identifiers: ClinVar variation 1345480 (VCV001345480.8), dbSNP rs1187627748, ClinGen allele CA376913515.
Genomic context (GRCh38, chr10:69,389,228, plus strand): 5'-CCTAAAGCTGTGTCCCTTTCTTTGCAAAGGAATTTGACCTGGACGTGGTGGCTGTGGTCA[A>G]CGACACAGTGGGCACCATGATGACCTGTGCTTATGAGGAGCCCACCTGTGAGGTTGGACT-3'
Protein context (NP_000179.2, residues 646-666): EFDLDVVAVV[Asn656Ser]DTVGTMMTCA